The following is an entry in ClinVar:

ClinVar aggregate classification (germline): Conflicting classifications of pathogenicity. Review status: criteria provided, conflicting classifications (1 of 4 stars). 11 submissions from 11 submitters: Uncertain significance (8); Likely benign (1). 2 of the submissions do not count toward it. Last evaluated 2026-09-10.

Conditions:
BARD1-related disorder. Also called: BARD1-related condition.
BARD1-related cancer predisposition. Identifiers: MedGen CN377756, MONDO:0700267.
Hereditary cancer-predisposing syndrome. Also called: Neoplastic Syndromes, Hereditary; Tumor predisposition; Hereditary neoplastic syndrome; Hereditary Cancer Syndrome. Identifiers: Orphanet 140162, MedGen C0027672, MeSH D009386, MONDO:0015356.
Familial cancer of breast. Also called: Hereditary breast cancer; BREAST CANCER, FAMILIAL; hereditary breast carcinoma. Identifiers: Orphanet 227535, MedGen C0346153, MONDO:0016419, OMIM 114480. Disease mechanism: loss of function.
Malignant tumor of breast. Also called: Malignant breast neoplasm; Cancer breast. Identifiers: MedGen C0006142, MONDO:0007254. Disease mechanism: loss of function.

Allele frequency attached by ClinVar (database versions not stated): gnomAD 0.00001 and 0.00002; TOPMed 0.00003; ExAC 0.00004; gnomAD exomes 0.00004.
gnomAD v4.1: 26 of 1,606,648 alleles (0.0016%); highest among the groups gnomAD compares: East Asian, 0.038%; no homozygotes.

Submissions (11):

PreventionGenetics, part of Exact Sciences
Classification: Uncertain significance for BARD1-related condition. Last evaluated: 2026-09-10. Review status: criteria provided, single submitter. Criteria: ACMG Guidelines, 2015. Collection method: clinical testing. Allele origin: germline.
Comment: The BARD1 c.73G>C variant is predicted to result in the amino acid substitution p.Ala25Pro. This variant was reported as a variant of uncertain significance in an individual with biliary tract cancer (Supplementary Table 2, Okawa et al. 2023. PubMed ID: 36243179). This variant is reported in 0.042% of alleles in individuals of East Asian descent in gnomAD and has conflicting interpretations in ClinVar ranging from likely benign to uncertain (Variation ID: 185506). Although we suspect that this variant may be benign, at this time, the clinical significance of this variant is uncertain due to the absence of conclusive functional and genetic evidence.

Labcorp Genetics (formerly Invitae), Labcorp
Classification: Uncertain significance for Familial cancer of breast. Last evaluated: 2026-01-26. Review status: criteria provided, single submitter. Criteria: Invitae Variant Classification Sherloc (09022015). Collection method: clinical testing. Allele origin: germline.
Comment: This sequence change replaces alanine, which is neutral and non-polar, with proline, which is neutral and non-polar, at codon 25 of the BARD1 protein (p.Ala25Pro). This variant is present in population databases (rs751646468, gnomAD 0.04%). This variant has not been reported in the literature in individuals affected with BARD1-related conditions. ClinVar contains an entry for this variant (Variation ID: 185506). An algorithm developed to predict the effect of missense changes on protein structure and function (PolyPhen-2) suggests that this variant is likely to be tolerated. Experimental studies have shown that this missense change does not substantially affect BARD1 function (PMID: 31371347). In summary, the available evidence is currently insufficient to determine the role of this variant in disease. Therefore, it has been classified as a Variant of Uncertain Significance.

Ambry Genetics
Classification: Uncertain significance for Hereditary cancer-predisposing syndrome. Last evaluated: 2025-07-11. Review status: criteria provided, single submitter. Criteria: Ambry Variant Classification Scheme 2023. Collection method: clinical testing. Allele origin: germline.
Comment: The p.A25P variant (also known as c.73G>C), located in coding exon 1 of the BARD1 gene, results from a G to C substitution at nucleotide position 73. The alanine at codon 25 is replaced by proline, an amino acid with highly similar properties. This alteration was reported in a study of 1297 cases of early-onset breast cancer and 1121 controls (Young EL et al. J. Med. Genet. 2016 Jun;53:366-76). Functional studies demonstrated intact localization and apoptosis (Toh MR et al. Cold Spring Harb Mol Case Stud, 2019 08;5). This amino acid position is not well conserved in available vertebrate species. In addition, this alteration is predicted to be tolerated by in silico analysis. Since supporting evidence is limited at this time, the clinical significance of this alteration remains unclear.

Molecular Pathology, Peter Maccallum Cancer Centre
Classification: Uncertain significance for BARD1-related cancer predisposition. Last evaluated: 2025-04-11. Review status: criteria provided, single submitter. Criteria: ACMG Guidelines, 2015. Collection method: clinical testing. Allele origin: germline. Inheritance: Autosomal dominant inheritance.

Center for Genomic Medicine, Rigshospitalet, Copenhagen University Hospital
Classification: Uncertain significance. Last evaluated: 2025-03-04. Review status: criteria provided, single submitter. Criteria: ACMG Guidelines, 2015. Collection method: clinical testing. Allele origin: germline.

Color Diagnostics, LLC DBA Color Health
Classification: Likely benign for Hereditary cancer-predisposing syndrome. Last evaluated: 2024-09-19. Review status: criteria provided, single submitter. Criteria: ACMG Guidelines, 2015. Collection method: clinical testing. Allele origin: germline.

Baylor Genetics
Classification: Uncertain significance for Familial cancer of breast. Last evaluated: 2023-12-12. Review status: criteria provided, single submitter. Criteria: ACMG Guidelines, 2015. Collection method: clinical testing. Allele origin: unknown.

Sema4
Classification: Uncertain significance for Hereditary cancer-predisposing syndrome. Last evaluated: 2022-02-13. Review status: criteria provided, single submitter. Criteria: Sema4 Curation Guidelines. Collection method: curation. Allele origin: germline.
Comment: The BARD1 c.73G>C (p.A25P) variant has been reported in heterozygosity in at least one individual with breast cancer (PMID: 31371347, 26787654). In vitro functional studies demonstrated normal co-localization, RAD51 foci formation, and apoptosis function comparable to wild-type BARD1 protein (PMID:31371347). This variant was observed in 8/18956 chromosomes in the East Asian population according to the Genome Aggregation Database (PMID: 32461654). The variant has been reported in ClinVar (Variation ID: 185506). The evidence is insufficient to meet ACMG/AMP criteria for classifying the variant as benign or pathogenic. Thus, the clinical significance of this variant is currently uncertain.

Fulgent Genetics
Classification: Uncertain significance for Familial cancer of breast. Last evaluated: 2018-10-31. Review status: criteria provided, single submitter. Criteria: ACMG Guidelines, 2015. Collection method: clinical testing. Allele origin: unknown.

Cancer Genetics Service, National Cancer Centre Singapore
Classification: Uncertain significance for Familial cancer of breast. Last evaluated: 2019-05-01. Review status: no assertion criteria provided. Collection method: clinical testing, in vitro. Allele origin: germline. Affected: yes. Not counted in ClinVar's aggregate classification.

Department of Pathology and Laboratory Medicine, Sinai Health System
Classification: Uncertain significance for Malignant tumor of breast. Review status: no assertion criteria provided. Collection method: clinical testing. Allele origin: unknown. Affected: yes. Observed: 1 variant allele. Study: The Canadian Open Genetics Repository (COGR). Not counted in ClinVar's aggregate classification.
Comment: The BARD1 p.Ala25Pro variant was not identified in the literature. The variant was identified in dbSNP (ID: rs751646468) â€šÃ„ÃºWith Uncertain significance alleleâ€šÃ„Ã¹, and ClinVar (classified as uncertain significance by Ambry Genetics and Invitae). The variant was identified in control databases in 9 of 258670 chromosomes at a frequency of 0.00004 (Genome Aggregation Database Feb 27, 2017), observed in the following populations: African in 2 of 21472 chromosomes (freq: 0.00009) and East Asian in 7 of 18300 chromosomes (freq: 0.0004), while not observed in the Other, Latino, European Non-Finnish, Ashkenazi Jewish, European Finnish, and South Asian populations. The p.Ala25 residue is conserved in mammals and computational analyses (PolyPhen-2, SIFT, AlignGVGD, BLOSUM, MutationTaster) provide inconsistent predictions regarding the impact of the variant Pro to the protein; this information is not very predictive of pathogenicity. The variant occurs outside of the splicing consensus sequence and in silico or computational prediction software programs (SpliceSiteFinder, MaxEntScan, NNSPLICE, GeneSplicer) do not predict a difference in splicing. In summary, based on the above information the clinical significance of this variant cannot be determined with certainty at this time. This variant is classified as a variant of uncertain significance.

Literature cited by the submitters: PubMed 31371347 (cited by 4 submitters); PubMed 26787654 (cited by Ambry Genetics and Sema4).

NM_000465.4(BARD1):c.73G>C (p.Ala25Pro)

Gene: BARD1 (BRCA1 associated RING domain 1; minus strand). Cytogenetic location: 2q35.
Variant type: single nucleotide variant.
Coding change: c.73G>C on transcript NM_000465.4 (MANE Select); coding-DNA position 73, G replaced by C.
Protein change: p.Ala25Pro; replaces alanine 25 with proline.
Molecular consequence: missense variant. On other transcripts: non-coding transcript variant (3).
Genome position (GRCh38, 1-based): chr2:214,809,497, C>G on the plus strand (G>C on the coding strand, the complement: BARD1 is on the minus strand). VCF-style: chr2-214809497-C-G. GRCh37 (hg19) VCF-style: chr2-215674221-C-G.
Other names: c.73G>C, p.Ala25Pro (NM_001282543.2, NM_001282545.2, NM_001282548.2 and 1 more transcripts); short protein forms A25P.
Identifiers: ClinVar variation 185506 (VCV000185506.34), dbSNP rs751646468, ClinGen allele CA333878.